The following is an entry in ClinVar:

ClinVar aggregate classification (germline): Uncertain significance (1 of 4 stars; one submission).

Conditions:
Arrhythmogenic right ventricular dysplasia 13. Also called: ARRHYTHMOGENIC RIGHT VENTRICULAR CARDIOMYOPATHY 13; Arrhythmogenic right ventricular dysplasia, familial, 13. Identifiers: MedGen C3810138, MONDO:0000908, OMIM 615616.

Allele frequency attached by ClinVar (database versions not stated): TOPMed below 0.00001; gnomAD 0.00001.
gnomAD v4.1: 1 of 1,613,244 alleles (0.000062%); highest among the groups gnomAD compares: Non-Finnish European, 0.000085%; no homozygotes.

Submission:

Labcorp Genetics (formerly Invitae), Labcorp
Classification: Uncertain significance for Arrhythmogenic right ventricular dysplasia 13. Last evaluated: 2020-06-29. Review status: criteria provided, single submitter. Criteria: Invitae Variant Classification Sherloc (09022015). Collection method: clinical testing. Allele origin: germline.
Comment: Experimental studies and prediction algorithms are not available or were not evaluated, and the functional significance of this variant is currently unknown. This variant has not been reported in the literature in individuals with CTNNA3-related conditions. This variant is not present in population databases (ExAC no frequency). This sequence change replaces glutamic acid with lysine at codon 675 of the CTNNA3 protein (p.Glu675Lys). The glutamic acid residue is moderately conserved and there is a small physicochemical difference between glutamic acid and lysine. In summary, the available evidence is currently insufficient to determine the role of this variant in disease. Therefore, it has been classified as a Variant of Uncertain Significance.

NM_013266.4(CTNNA3):c.2023G>A (p.Glu675Lys)

Gene: CTNNA3 (catenin alpha 3; minus strand). Cytogenetic location: 10q21.3.
Variant type: single nucleotide variant.
Coding change: c.2023G>A on transcript NM_013266.4 (MANE Select); coding-DNA position 2023, G replaced by A.
Protein change: p.Glu675Lys; replaces glutamic acid 675 with lysine.
Molecular consequence: missense variant.
Genome position (GRCh38, 1-based): chr10:66,069,444, C>T on the plus strand (G>A on the coding strand, the complement: CTNNA3 is on the minus strand). VCF-style: chr10-66069444-C-T. GRCh37 (hg19) VCF-style: chr10-67829202-C-T.
Other names: c.2023G>A, p.Glu675Lys (NM_001127384.3); short protein forms E675K.
Identifiers: ClinVar variation 1021909 (VCV001021909.8), dbSNP rs1415628169, ClinGen allele CA377089760.